The following is an entry in ClinVar:

ClinVar aggregate classification (germline): Conflicting classifications of pathogenicity. Review status: criteria provided, conflicting classifications (1 of 4 stars). 4 submissions from 4 submitters: Uncertain significance (3); Likely benign (1). Last evaluated 2025-12-11.

Conditions:
BRCA1-related cancer predisposition. Identifiers: MedGen CN377757, MONDO:0700268.
Hereditary cancer-predisposing syndrome. Also called: Hereditary neoplastic syndrome; Neoplastic Syndromes, Hereditary; Hereditary Cancer Syndrome; Tumor predisposition. Identifiers: Orphanet 140162, MedGen C0027672, MeSH D009386, MONDO:0015356.
Hereditary breast ovarian cancer syndrome. Also called: Hereditary breast and ovarian cancer; Hereditary breast and/or ovarian cancer syndrome; Hereditary breast and ovarian cancer syndrome; Hereditary breast and ovarian cancer syndrome (HBOC); Breast and ovarian cancer; BRCA1- and BRCA2-Associated Hereditary Breast and Ovarian Cancer. Identifiers: Orphanet 145, MedGen C0677776, MeSH D061325, MONDO:0003582. Disease mechanism: loss of function.

Submissions (4):

Ambry Genetics
Classification: Uncertain significance for Hereditary cancer-predisposing syndrome. Last evaluated: 2025-12-11. Review status: criteria provided, single submitter. Criteria: Ambry Variant Classification Scheme 2023. Collection method: clinical testing. Allele origin: germline.
Comment: The p.P773L variant (also known as c.2318C>T), located in coding exon 9 of the BRCA1 gene, results from a C to T substitution at nucleotide position 2318. The proline at codon 773 is replaced by leucine, an amino acid with similar properties. This amino acid position is well conserved in available vertebrate species. In addition, the in silico prediction for this alteration is inconclusive. Based on the available evidence, the clinical significance of this variant remains unclear.

All of Us Research Program, National Institutes of Health
Classification: Uncertain significance for BRCA1-related cancer predisposition. Last evaluated: 2024-03-05. Review status: criteria provided, single submitter. Criteria: ACMG Guidelines, 2015. Collection method: clinical testing. Allele origin: germline. Inheritance: Autosomal dominant inheritance. Observed: 1 variant allele, 1 heterozygote.
Comment: This study involves interpretation of variants in research participants for the purpose of population health screening. Participant phenotype was not available at the time of variant classification. Additional details can be found in publication PMID: 35346344, PMCID: PMC8962531

University of Washington Department of Laboratory Medicine, University of Washington
Classification: Likely benign for Hereditary cancer-predisposing syndrome. Last evaluated: 2023-03-23. Review status: criteria provided, single submitter. Criteria: Dines et al. (Genet Med. 2020). Collection method: curation. Allele origin: germline.
Comment: Missense variant in a coldspot region where missense variants are very unlikely to be pathogenic (PMID:31911673).

BRCA1 coldspot (exon 11 using historical exon numbering). Reclassification based on statistical prior probability

Labcorp Genetics (formerly Invitae), Labcorp
Classification: Uncertain significance for Hereditary breast ovarian cancer syndrome. Last evaluated: 2021-10-21. Review status: criteria provided, single submitter. Criteria: Invitae Variant Classification Sherloc (09022015). Collection method: clinical testing. Allele origin: germline.
Comment: In summary, the available evidence is currently insufficient to determine the role of this variant in disease. Therefore, it has been classified as a Variant of Uncertain Significance. Algorithms developed to predict the effect of missense changes on protein structure and function are either unavailable or do not agree on the potential impact of this missense change (SIFT: "Tolerated"; PolyPhen-2: "Possibly Damaging"; Align-GVGD: "Class C0"). This variant has not been reported in the literature in individuals affected with BRCA1-related conditions. This variant is not present in population databases (ExAC no frequency). This sequence change replaces proline with leucine at codon 773 of the BRCA1 protein (p.Pro773Leu). The proline residue is highly conserved and there is a moderate physicochemical difference between proline and leucine.

NM_007294.4(BRCA1):c.2318C>T (p.Pro773Leu)

Gene: BRCA1 (BRCA1 DNA repair associated; minus strand). Cytogenetic location: 17q21.31.
Variant type: single nucleotide variant.
Coding change: c.2318C>T on transcript NM_007294.4 (MANE Select); coding-DNA position 2318, C replaced by T.
Protein change: p.Pro773Leu; replaces proline 773 with leucine.
Molecular consequence: missense variant. On other transcripts: intron variant (137).
Genome position (GRCh38, 1-based): chr17:43,093,213, G>A on the plus strand (C>T on the coding strand, the complement: BRCA1 is on the minus strand). VCF-style: chr17-43093213-G-A. GRCh37 (hg19) VCF-style: chr17-41245230-G-A.
Other names: c.2105C>T, p.Pro702Leu (NM_001407571.1, NM_001407853.1, NM_001407894.1 and 9 more transcripts); c.2318C>T, p.Pro773Leu (NM_001407581.1, NM_001407582.1, NM_001407583.1 and 30 more transcripts); c.2315C>T, p.Pro772Leu (NM_001407587.1, NM_001407590.1, NM_001407591.1 and 22 more transcripts); c.2309C>T, p.Pro770Leu (NM_001407646.1, NM_001407647.1); c.2195C>T, p.Pro732Leu (NM_001407648.1, NM_001407664.1, NM_001407665.1 and 19 more transcripts); c.2192C>T, p.Pro731Leu (NM_001407649.1, NM_001407670.1, NM_001407671.1 and 11 more transcripts); c.2240C>T, p.Pro747Leu (NM_001407653.1, NM_001407654.1, NM_001407655.1 and 4 more transcripts); c.2237C>T, p.Pro746Leu (NM_001407659.1, NM_001407660.1, NM_001407661.1 and 1 more transcripts); and 41 more; short protein forms P773L, P726L, P661L, P705L, P725L, P732L, P747L, P646L.
Identifiers: ClinVar variation 966441 (VCV000966441.13), dbSNP rs2053781755, ClinGen allele CA10597365.
Genomic context (GRCh38, chr17:43,093,213, plus strand): 5'-TTCCCTAGAGTGCTAACTTCCAGTAACGAGATACTTTCCTGAGTGCCATAATCAGTACCA[G>A]GTACCAATGAAATACTGCTACTCTCTACAGATCTTTCAGTTTGCAAAACCCTTTCTCCAC-3'
Protein context (NP_009225.1, residues 763-783): SVESSSISLV[Pro773Leu]GTDYGTQESI